The following is an entry in ClinVar:

NM_005956.4(MTHFD1):c.794C>T (p.Ala265Val)

Gene: MTHFD1 (methylenetetrahydrofolate dehydrogenase, cyclohydrolase and formyltetrahydrofolate synthetase 1; plus strand). Cytogenetic location: 14q23.3.
Variant type: single nucleotide variant.
Coding change: c.794C>T on transcript NM_005956.4 (MANE Select); coding-DNA position 794, C replaced by T.
Protein change: p.Ala265Val; replaces alanine 265 with valine.
Molecular consequence: missense variant.
Genome position (GRCh38, 1-based): chr14:64,424,870, C>T. VCF-style: chr14-64424870-C-T. GRCh37 (hg19) VCF-style: chr14-64891588-C-T.
Other names: c.794C>T, p.Ala265Val (NM_001364837.1); short protein forms A265V.
Identifiers: ClinVar variation 2150659 (VCV002150659.1), dbSNP rs777506533, ClinGen allele CA7226038.
Genomic context (GRCh38, chr14:64,424,870, plus strand): 5'-AAAAACCAAATGGGAGAAAAGTTGTGGGTGATGTGGCATACGACGAGGCCAAAGAGAGGG[C>T]GAGCTTCATCACTCCTGTTCCTGGCGGCGTAGGGCCCATGACAGTTGCAATGCTCATGCA-3'
Protein context (NP_005947.3, residues 255-275): DVAYDEAKER[Ala265Val]SFITPVPGGV

ClinVar aggregate classification (germline): Uncertain significance (1 of 4 stars; one submission).

Allele frequency attached by ClinVar (database versions not stated): gnomAD 0.00001; gnomAD exomes 0.00001; TOPMed 0.00001; ExAC 0.00003.
gnomAD v4.1: 18 of 1,614,032 alleles (0.0011%); highest among the groups gnomAD compares: Admixed American, 0.013%; no homozygotes.

Submission:

Labcorp Genetics (formerly Invitae), Labcorp
Classification: Uncertain significance. Last evaluated: 2022-08-16. Review status: criteria provided, single submitter. Criteria: Invitae Variant Classification Sherloc (09022015). Collection method: clinical testing. Allele origin: germline.
Comment: This sequence change replaces alanine, which is neutral and non-polar, with valine, which is neutral and non-polar, at codon 265 of the MTHFD1 protein (p.Ala265Val). This variant is present in population databases (rs777506533, gnomAD 0.02%). This variant has not been reported in the literature in individuals affected with MTHFD1-related conditions. Algorithms developed to predict the effect of missense changes on protein structure and function are either unavailable or do not agree on the potential impact of this missense change (SIFT: "Deleterious"; PolyPhen-2: "Probably Damaging"; Align-GVGD: "Class C0"). Algorithms developed to predict the effect of sequence changes on RNA splicing suggest that this variant may create or strengthen a splice site. In summary, the available evidence is currently insufficient to determine the role of this variant in disease. Therefore, it has been classified as a Variant of Uncertain Significance.